The following is an entry in ClinVar:

NM_001206927.2(DNAH8):c.13841G>A (p.Gly4614Asp)

Gene: DNAH8 (dynein axonemal heavy chain 8; plus strand). Cytogenetic location: 6p21.2.
Variant type: single nucleotide variant.
Coding change: c.13841G>A on transcript NM_001206927.2 (MANE Select); coding-DNA position 13841, G replaced by A.
Protein change: p.Gly4614Asp; replaces glycine 4614 with aspartic acid.
Molecular consequence: missense variant.
Genome position (GRCh38, 1-based): chr6:39,030,109, G>A. VCF-style: chr6-39030109-G-A. GRCh37 (hg19) VCF-style: chr6-38997885-G-A.
Other names: c.13190G>A, p.Gly4397Asp (NM_001371.4); short protein forms G4614D, G4397D.
Identifiers: ClinVar variation 2785861 (VCV002785861.3), dbSNP rs1307894494, ClinGen allele CA363999031.

ClinVar aggregate classification (germline): Uncertain significance (1 of 4 stars; one submission).

Conditions:
Primary ciliary dyskinesia. Also called: Ciliary dyskinesia. Identifiers: Orphanet 244, MedGen C0008780, MONDO:0016575, HP:0012265.

gnomAD v4.1: 1 of 1,611,886 alleles (0.000062%); highest among the groups gnomAD compares: South Asian, 0.0011%; no homozygotes.

Submission:

Labcorp Genetics (formerly Invitae), Labcorp
Classification: Uncertain significance for Primary ciliary dyskinesia. Last evaluated: 2023-11-24. Review status: criteria provided, single submitter. Criteria: Invitae Variant Classification Sherloc (09022015). Collection method: clinical testing. Allele origin: germline.
Comment: This sequence change replaces glycine, which is neutral and non-polar, with aspartic acid, which is acidic and polar, at codon 4614 of the DNAH8 protein (p.Gly4614Asp). This variant is present in population databases (no rsID available, gnomAD 0.003%). This variant has not been reported in the literature in individuals affected with DNAH8-related conditions. Advanced modeling of protein sequence and biophysical properties (such as structural, functional, and spatial information, amino acid conservation, physicochemical variation, residue mobility, and thermodynamic stability) performed at Invitae indicates that this missense variant is expected to disrupt DNAH8 protein function with a positive predictive value of 80%. In summary, the available evidence is currently insufficient to determine the role of this variant in disease. Therefore, it has been classified as a Variant of Uncertain Significance.